The following is an entry in ClinVar:

ClinVar aggregate classification (germline): Uncertain significance. Review status: criteria provided, multiple submitters, no conflicts (2 of 4 stars). 3 submissions from 3 submitters: Uncertain significance (2). 1 of the submissions does not count toward it. Last evaluated 2026-09-19.

Conditions:
Aortic valve disease 1 (AOVD1). Identifiers: MedGen C3887892, MONDO:0024523, OMIM 109730.
Atrial septal defect 4 (ASD4). Identifiers: Orphanet 1478, MedGen C1969657, MONDO:0012654, OMIM 611363.

Submissions (3):

GeneDx
Classification: Uncertain significance. Last evaluated: 2026-09-19. Review status: criteria provided, single submitter. Criteria: GeneDx Variant Classification Process June 2021. Collection method: clinical testing. Allele origin: germline.
Comment: Reported in an individual with bicuspid aortic valve-related thoracic aortic aneurysm in published literature (PMID: 30820038); Not observed at significant frequency in large population cohorts (gnomAD); In silico analysis suggests that this missense variant does not alter protein structure/function; This variant is associated with the following publications: (PMID: 30820038, 40075846)

ARUP Laboratories, Molecular Genetics and Genomics, ARUP Laboratories
Classification: Uncertain significance for Atrial septal defect 4. Last evaluated: 2023-08-23. Review status: criteria provided, single submitter. Criteria: ARUP Molecular Germline Variant Investigation Process 2024. Collection method: clinical testing. Allele origin: germline.

Centre of Medical Genetics, University of Antwerp
Classification: Uncertain significance for Aortic valve disease 1. Last evaluated: 2018-11-14. Review status: no assertion criteria provided. Collection method: research. Allele origin: germline. Affected: yes. Observed: 1 variant allele. Not counted in ClinVar's aggregate classification.

NM_001077653.2(TBX20):c.117C>G (p.Ile39Met)

Gene: TBX20 (T-box transcription factor 20; minus strand). Cytogenetic location: 7p14.2.
Variant type: single nucleotide variant.
Coding change: c.117C>G on transcript NM_001077653.2 (MANE Select); coding-DNA position 117, C replaced by G.
Protein change: p.Ile39Met; replaces isoleucine 39 with methionine.
Molecular consequence: missense variant.
Genome position (GRCh38, 1-based): chr7:35,253,504, G>C on the plus strand (C>G on the coding strand, the complement: TBX20 is on the minus strand). VCF-style: chr7-35253504-G-C. GRCh37 (hg19) VCF-style: chr7-35293115-G-C.
Other names: c.117C>G, p.Ile39Met (LRG_755t1, NM_001166220.1); short protein forms I39M.
Identifiers: ClinVar variation 590956 (VCV000590956.5), dbSNP rs1562569196, ClinGen allele CA367265468.
Genomic context (GRCh38, chr7:35,253,504, plus strand): 5'-GATGCGCAGCATCCCCAGTCCTCGGCGGACAGCCGGGTAGCCCAACTTACCCAGGGGTTT[G>C]ATTGTGTTCTCCGTCGCCTCCTTCTCCTTAGAGCCGCCGCTCGACATGAGCGCGGCAATG-3'
Protein context (NP_001071121.1, residues 29-49): SKEKEATENT[Ile39Met]KPLEQFVEKS